The following is an entry in ClinVar:

ClinVar aggregate classification (germline): Pathogenic. Review status: criteria provided, multiple submitters, no conflicts (2 of 4 stars). 3 submissions from 3 submitters: Pathogenic (2). 1 of the submissions does not count toward it. Last evaluated 2025-07-25.

Conditions:
Neurofibromatosis, type 1 (NF1). Also called: VON RECKLINGHAUSEN DISEASE; Peripheral type neurofibromatosis; Neurofibromatosis, type I; NEUROFIBROMATOSIS, TYPE I, SOMATIC. Identifiers: Orphanet 636, MedGen C0027831, MONDO:0018975, OMIM 162200. Disease mechanism: loss of function.

Submissions (3):

Genetic Services Laboratory, University of Chicago
Classification: Pathogenic. Last evaluated: 2025-07-25. Review status: criteria provided, single submitter. Criteria: ACMG Guidelines, 2015. Collection method: clinical testing. Allele origin: germline.
Comment: The c.434T>C variant: Results in an amino acid change, p.Leu145Pro. Affects a highly conserved amino acid residue located in a domain of the NF1 protein that is not known to be functional. Appears to be deleterious using several in-silico pathogenicity prediction tools. Has been previously described in individuals with neurofibromatosis (PMID: 150601241, 26962827). Has not been described in population databases such as gnomAD v4. Occurs in a region of the NF1 gene where other missense sequence changes have been described in individuals with NF1-related disorders. ClinVar contains an entry for this variant (Variation ID: 68347). Collectively, this evidence indicates that this variant is pathogenic, however functional studies have not been performed to prove this conclusively.

Labcorp Genetics (formerly Invitae), Labcorp
Classification: Pathogenic for Neurofibromatosis, type 1. Last evaluated: 2025-04-22. Review status: criteria provided, single submitter. Criteria: Invitae Variant Classification Sherloc (09022015). Collection method: clinical testing. Allele origin: germline.
Comment: This sequence change replaces leucine, which is neutral and non-polar, with proline, which is neutral and non-polar, at codon 145 of the NF1 protein (p.Leu145Pro). This variant is not present in population databases (gnomAD no frequency). This missense change has been observed in individual(s) with neurofibromatosis type 1 (PMID: 15060124, 26962827). Invitae Evidence Modeling of clinical and family history, age, sex, and reported ancestry of multiple individuals with this NF1 variant has been performed. This variant is expected to be pathogenic with a positive predictive value of at least 99%. This is a validated machine learning model that incorporates the clinical features of 1,785,918 individuals referred to our laboratory for NF1 testing. ClinVar contains an entry for this variant (Variation ID: 68347). Invitae Evidence Modeling of protein sequence and biophysical properties (such as structural, functional, and spatial information, amino acid conservation, physicochemical variation, residue mobility, and thermodynamic stability) indicates that this missense variant is expected to disrupt NF1 protein function with a positive predictive value of 95%. For these reasons, this variant has been classified as Pathogenic.

UniProtKB/Swiss-Prot
No classification provided. Review status: no classification provided. Collection method: not provided. Allele origin: not provided. Not counted in ClinVar's aggregate classification.

Literature cited by the submitters: PubMed 15060124 (cited by Labcorp Genetics (formerly Invitae), Labcorp); PubMed 26962827 (cited by Labcorp Genetics (formerly Invitae), Labcorp).

NM_001042492.3(NF1):c.434T>C (p.Leu145Pro)

Gene: NF1 (neurofibromin 1; plus strand). Cytogenetic location: 17q11.2.
Variant type: single nucleotide variant.
Coding change: c.434T>C on transcript NM_001042492.3 (MANE Select); coding-DNA position 434, T replaced by C.
Protein change: p.Leu145Pro; replaces leucine 145 with proline.
Molecular consequence: missense variant.
Genome position (GRCh38, 1-based): chr17:31,163,331, T>C. VCF-style: chr17-31163331-T-C. GRCh37 (hg19) VCF-style: chr17-29490349-T-C.
Other names: c.434T>C, p.Leu145Pro (NM_000267.4, NM_001128147.3); short protein forms L145P.
Identifiers: ClinVar variation 68347 (VCV000068347.6), dbSNP rs199474734, ClinGen allele CA219570.